The following is an entry in ClinVar:

ClinVar aggregate classification (germline): Pathogenic (1 of 4 stars; one submission).

Conditions:
VPS13A-related neurodegenerative disease. Also called: ACANTHOCYTOSIS WITH NEUROLOGIC DISORDER; LEVINE-CRITCHLEY SYNDROME; Choreoacanthocytosis; Chorea-acanthocytosis; Choreaacanthocytosis; VPS13A Disease. Identifiers: Orphanet 2388, MedGen C0393576, MONDO:0008695, OMIM 200150.

Submission:

Myriad Genetics, Inc.
Classification: Pathogenic for VPS13A-related neurodegenerative disease. Last evaluated: 2024-05-14. Review status: criteria provided, single submitter. Criteria: Myriad Autosomal Dominant, Autosomal Recessive and X-Linked Classification Criteria (2023). Collection method: clinical testing. Allele origin: unknown.
Comment: NM_033305.2(VPS13A):c.8504_8514del11(H2835Rfs*5) is expected to be pathogenic in the context of VPS13A disease. This variant is predicted to lead to an abnormal or absent protein product due to the creation of a premature termination codon in VPS13A, a gene where loss-of-function variants are known to be pathogenic. Please note: this variant was assessed in the context of healthy population screening.

NM_033305.3(VPS13A):c.8504_8514del (p.His2835fs)

Gene: VPS13A (vacuolar protein sorting 13 homolog A; plus strand). Cytogenetic location: 9q21.2.
Variant type: Deletion.
Coding change: c.8504_8514del on transcript NM_033305.3 (MANE Select); coding-DNA positions 8504 to 8514, 11 bases deleted (ATACAACATCC).
Protein change: p.His2835fs; shifts the reading frame from histidine 2835.
Molecular consequence: frameshift variant.
Genome position (GRCh38, 1-based): chr9:77,368,087-77,368,097, ATACAACATCC deleted; deleting any 11 consecutive bases within chr9:77,368,084-77,368,097 gives the same sequence; the c. name uses the placement nearest the transcript's 3' end. VCF-style (leftmost placement, unchanged base first): chr9-77368083-TTCCATACAACA-T. GRCh37 (hg19) VCF-style: chr9-79982999-TTCCATACAACA-T.
Other names: c.8387_8397del, p.His2796fs (NM_001018037.2); c.8504_8514del, p.His2835fs (NM_001018038.3, NM_015186.4); short protein forms H2796fs, H2835fs.
Identifiers: ClinVar variation 5011531 (VCV005011531.1).
Genomic context (GRCh38, chr9:77,368,083, plus strand): 5'-GTACAGACAATATATTTTTACGCTTTTTTCAGGCTTGCATTTTTTGAACTCAACTATCAG[TTCCATACAACA>T]TCCGATCTACAGTCTGAAGTCATAAGACACTATTCAAAACAGGTTTGTCTAAGATTATAT-3'